The following is an entry in ClinVar:

NM_032119.4(ADGRV1):c.10150G>A (p.Glu3384Lys)

Gene: ADGRV1 (adhesion G protein-coupled receptor V1; plus strand). Cytogenetic location: 5q14.3.
Variant type: single nucleotide variant.
Coding change: c.10150G>A on transcript NM_032119.4 (MANE Select); coding-DNA position 10150, G replaced by A.
Protein change: p.Glu3384Lys; replaces glutamic acid 3384 with lysine.
Molecular consequence: missense variant. On other transcripts: non-coding transcript variant (1).
Genome position (GRCh38, 1-based): chr5:90,725,645, G>A. VCF-style: chr5-90725645-G-A. GRCh37 (hg19) VCF-style: chr5-90021462-G-A.
Other names: short protein forms E3384K.
Identifiers: ClinVar variation 844293 (VCV000844293.12), dbSNP rs371240064, ClinGen allele CA3340675.
Genomic context (GRCh38, chr5:90,725,645, plus strand): 5'-AGATATTTTACTTCAGACAGCCAAGATTATTTAATCATTGCAAGTCAAAGAGATGATTCC[G>A]AATTAACTCAGGTTTGATTCTTTTAAAATGAAGTGGGTTTTTTTTTGCTTTTCTTTTTAA-3'
Protein context (NP_115495.3, residues 3374-3394): LIIASQRDDS[Glu3384Lys]LTQVFRWNGG

ClinVar aggregate classification (germline): Conflicting classifications of pathogenicity. Review status: criteria provided, conflicting classifications (1 of 4 stars). 3 submissions from 3 submitters: Uncertain significance (2); Likely benign (1). Last evaluated 2025-10-10.

Conditions:
Inborn genetic diseases. Identifiers: MedGen C0950123, MeSH D030342.

Allele frequency attached by ClinVar (database versions not stated): gnomAD below 0.00001 and 0.00002; ExAC 0.00002; gnomAD exomes 0.00002 and 0.00003; 1000 Genomes Project 30x 0.00016; 1000 Genomes Project 0.00020.
gnomAD v4.1: 27 of 1,512,578 alleles (0.0018%); highest among the groups gnomAD compares: South Asian, 0.02%; no homozygotes.

Submissions (3):

Women's Health and Genetics/Laboratory Corporation of America, LabCorp
Classification: Uncertain significance. Last evaluated: 2025-10-10. Review status: criteria provided, single submitter. Criteria: LabCorp Variant Classification Summary - May 2015. Collection method: clinical testing. Allele origin: germline.
Comment: Variant summary: ADGRV1 c.10150G>A (p.Glu3384Lys) results in a conservative amino acid change in the encoded protein sequence. Algorithms developed to predict the effect of missense changes on protein structure and function all suggest that this variant is likely to be tolerated. The variant allele was found at a frequency of 2.6e-05 in 235114 control chromosomes. The available data on variant occurrences in the general population are insufficient to allow any conclusion about variant significance. To our knowledge, no occurrence of c.10150G>A in individuals affected with ADGRV1-related conditions and no experimental evidence demonstrating its impact on protein function have been reported. ClinVar contains an entry for this variant (Variation ID: 844293). Based on the evidence outlined above, the variant was classified as uncertain significance.

Labcorp Genetics (formerly Invitae), Labcorp
Classification: Likely benign. Last evaluated: 2024-10-16. Review status: criteria provided, single submitter. Criteria: Invitae Variant Classification Sherloc (09022015). Collection method: clinical testing. Allele origin: germline.

Ambry Genetics
Classification: Uncertain significance for Inborn genetic diseases. Last evaluated: 2021-10-26. Review status: criteria provided, single submitter. Criteria: Ambry Variant Classification Scheme 2023. Collection method: clinical testing. Allele origin: germline.